The following is an entry in ClinVar:

NM_006201.5(CDK16):c.47G>A (p.Arg16Gln)

Gene: CDK16 (cyclin dependent kinase 16; plus strand). Cytogenetic location: Xp11.3.
Variant type: single nucleotide variant.
Coding change: c.47G>A on transcript NM_006201.5 (MANE Select); coding-DNA position 47, G replaced by A.
Protein change: p.Arg16Gln; replaces arginine 16 with glutamine.
Molecular consequence: missense variant.
Genome position (GRCh38, 1-based): chrX:47,223,604, G>A. VCF-style: chrX-47223604-G-A. GRCh37 (hg19) VCF-style: chrX-47083003-G-A.
Other names: c.269G>A, p.Arg90Gln (NM_001170460.2); c.65G>A, p.Arg22Gln (NM_033018.4); short protein forms R16Q, R22Q, R90Q.
Identifiers: ClinVar variation 3239640 (VCV003239640.2).

ClinVar aggregate classification (germline): Uncertain significance (1 of 4 stars; one submission).

Conditions:
Oligospermia. Identifiers: MedGen C0028960, MeSH D009845, MONDO:0001913.
Reduced sperm motility. Also called: asthenozoospermia. Identifiers: MedGen C4082176, HP:0012207.
Abnormal sperm morphology. Also called: Teratozoospermia. Identifiers: MedGen C0403824, HP:0012864.

gnomAD v4.1: 17 of 1,209,714 alleles (0.0014%); highest among the groups gnomAD compares: East Asian, 0.018%; no homozygotes.

Submission:

Huzhibin Lab, Nanjing Medical University
Classification: Uncertain significance for Oligozoospermia; Reduced sperm motility; Abnormal sperm morphology. Review status: criteria provided, single submitter. Criteria: ACMG Guidelines, 2015. Collection method: research. Allele origin: germline. Inheritance: X-linked recessive inheritance. Affected: yes. Observed: 1 variant allele, 1 hemizygote.
Comment: Criteria:PS4,PP3 This gene is a known causative gene for teratozoospermia located in ChrX, and male knockout mice of this gene have been shown to have a teratozoospermia phenotype and be infertile in males. While the variant we found here is a missense but not LoF variant. This rare homozygous variant in this gene was not found in the control population, and this variant was also predicted to be pathogenic by multiple algorithms,such as CADD(26.9), AlphaMissense(Pathogenic).

Literature cited by the submitters: PubMed 22184064.